The following is an entry in ClinVar:

NM_000360.4(TH):c.91-828dup

Gene: TH (tyrosine hydroxylase; minus strand). Cytogenetic location: 11p15.5.
Variant type: Duplication.
Coding change: c.91-828dup on transcript NM_000360.4 (MANE Select); 828 bases into the intron before coding-DNA position 91, one base duplicated (C; older notation c.91-828dupC).
Molecular consequence: intron variant. On other transcripts: frameshift variant (2).
Genome position (GRCh38, 1-based): chr11:2,170,699, G duplicated on the plus strand (C on the coding strand, the reverse complement: TH is on the minus strand); the first of 5 consecutive G bases (chr11:2,170,699-2,170,703); duplicating any one gives the same sequence. VCF-style (leftmost placement, unchanged base first): chr11-2170698-T-TG. GRCh37 (hg19) VCF-style: chr11-2191928-T-TG.
Other names: c.174dup, p.Thr59fs (NM_199292.3); c.162dup, p.Thr55fs (NM_199293.3); c.91-828dup (NM_001440537.1); c.103-828dup (NM_001440536.1, NM_001440535.1); short protein forms T55fs, T59fs.
Identifiers: ClinVar variation 4817046 (VCV004817046.3).

ClinVar aggregate classification (germline): Conflicting classifications of pathogenicity. Review status: criteria provided, conflicting classifications (1 of 4 stars). 2 submissions from 2 submitters: Likely pathogenic (1); Uncertain significance (1). Last evaluated 2025-12-19.

Conditions:
TH-deficient dopa-responsive dystonia. Also called: Tyrosine Hydroxylase-Deficient Dopa-Responsive Dystonia; Segawa syndrome, autosomal recessive; DYT-TH. Identifiers: Orphanet 101150, MedGen C2673535, MONDO:0011551, OMIM 605407.

Submissions (2):

Dasa
Classification: Uncertain significance. Last evaluated: 2025-12-19. Review status: criteria provided, single submitter. Criteria: DASA Assertion Criteria. Collection method: clinical testing. Allele origin: germline.
Comment: NM_199292.3(TH):c.174dup (p.Thr59Hisfs*47) is a frameshift variant in TH predicted to alter the reading frame and introduce a premature termination codon. This variant is rare in population databases. The currently available literature and clinical evidence are not sufficient to establish a definitive association between this variant and the reported condition. Therefore, this variant is classified as a variant of uncertain significance.

Natera, Inc.
Classification: Likely pathogenic for Autosomal recessive Segawa syndrome. Last evaluated: 2025-03-12. Review status: criteria provided, single submitter. Criteria: Natera Variant Classification Schema (03/2026). Collection method: clinical testing. Allele origin: germline.
Comment: The c.174dupC variant in TH is a frameshift variant predicted to shift the reading frame beginning at codon 59 and leads to a stop codon 47 codons downstream. This variant is expected to result in nonsense mediated decay, truncation, or a dysfunctional protein product. This variant is rare in the general population with a frequency below the threshold expected for the associated phenotype(s). Given the available evidence, this variant is classified as Likely Pathogenic.